The following is an entry in ClinVar:

NM_017934.7(PHIP):c.3931A>G (p.Asn1311Asp)

Genes: IRAK1BP1 (interleukin 1 receptor associated kinase 1 binding protein 1; plus strand), PHIP (PHIP subunit of CUL4-Ring ligase complex; minus strand). Cytogenetic location: 6q14.1.
Variant type: single nucleotide variant.
Coding change: c.3931A>G on transcript NM_017934.7 (MANE Select); coding-DNA position 3931, A replaced by G.
Protein change: p.Asn1311Asp; replaces asparagine 1311 with aspartic acid.
Molecular consequence: missense variant.
Genome position (GRCh38, 1-based): chr6:78,954,936, T>C on the plus strand (A>G on the coding strand, the complement: PHIP is on the minus strand). VCF-style: chr6-78954936-T-C. GRCh37 (hg19) VCF-style: chr6-79664653-T-C.
Other names: short protein forms N1311D.
Identifiers: ClinVar variation 3347493 (VCV003347493.1).
Genomic context (GRCh38, chr6:78,954,936, plus strand): 5'-GATTTAACAATTCTTCACACTGTTTCTTCCATGCTTGAATATCGTAAGACTGGGCTCTAT[T>C]ACGTAATCTTCTTCTAGGCTGATGGTCCTGTGATAAAAGTGTTCAAATATATTAATAAAA-3'
Protein context (NP_060404.4, residues 1301-1321): KDHQPRRRLR[Asn1311Asp]RAQSYDIQAW

ClinVar aggregate classification (germline): Uncertain significance (0 of 4 stars; one submission).

Conditions:
PHIP-related disorder. Also called: PHIP-related condition; PHIP-related disorders.

Submission:

PreventionGenetics, part of Exact Sciences
Classification: Uncertain significance for PHIP-related condition. Last evaluated: 2024-05-16. Review status: no assertion criteria provided. Collection method: clinical testing. Allele origin: germline.
Comment: The PHIP c.3931A>G variant is predicted to result in the amino acid substitution p.Asn1311Asp. To our knowledge, this variant has not been reported in the literature or in a large population database indicating this variant is rare. At this time, the clinical significance of this variant is uncertain due to the absence of conclusive functional and genetic evidence.